The following is an entry in ClinVar:

ClinVar aggregate classification (germline): Uncertain significance (1 of 4 stars; one submission).

Submission:

Labcorp Genetics (formerly Invitae), Labcorp
Classification: Uncertain significance. Last evaluated: 2019-11-11. Review status: criteria provided, single submitter. Criteria: Invitae Variant Classification Sherloc (09022015). Collection method: clinical testing. Allele origin: germline.
Comment: In summary, the available evidence is currently insufficient to determine the role of this variant in disease. Therefore, it has been classified as a Variant of Uncertain Significance. Algorithms developed to predict the effect of missense changes on protein structure and function are either unavailable or do not agree on the potential impact of this missense change (SIFT: "Tolerated"; PolyPhen-2: "Possibly Damaging"; Align-GVGD: "Class C0"). This variant has not been reported in the literature in individuals with RNF43-related conditions. This variant is not present in population databases (ExAC no frequency). This sequence change replaces isoleucine with valine at codon 141 of the RNF43 protein (p.Ile141Val). The isoleucine residue is highly conserved and there is a small physicochemical difference between isoleucine and valine.

NM_017763.6(RNF43):c.421A>G (p.Ile141Val)

Gene: RNF43 (ring finger protein 43; minus strand). Cytogenetic location: 17q22.
Variant type: single nucleotide variant.
Coding change: c.421A>G on transcript NM_017763.6 (MANE Select); coding-DNA position 421, A replaced by G.
Protein change: p.Ile141Val; replaces isoleucine 141 with valine.
Molecular consequence: missense variant.
Genome position (GRCh38, 1-based): chr17:58,363,555, T>C on the plus strand (A>G on the coding strand, the complement: RNF43 is on the minus strand). VCF-style: chr17-58363555-T-C. GRCh37 (hg19) VCF-style: chr17-56440916-T-C.
Other names: c.421A>G, p.Ile141Val (NM_001305544.3); c.40A>G, p.Ile14Val (NM_001305545.2); short protein forms I141V, I14V.
Identifiers: ClinVar variation 959185 (VCV000959185.9), dbSNP rs1972887732, ClinGen allele CA400339181.
Genomic context (GRCh38, chr17:58,363,555, plus strand): 5'-CCACCTTGAACACGCAAATGTCCCTGGGTACCTGCTCAGCAGCAGCTCGATCCTCAGTGA[T>C]GTCAAAGAGGACAGCACTGGCTCCTCGCTCACCCGCCATCCGAGCCTGCAGAGGCACACA-3'
Protein context (NP_060233.3, residues 131-151): ERGASAVLFD[Ile141Val]TEDRAAAEQL